The following is an entry in ClinVar:

NM_001330078.2(NRXN1):c.1135-2A>G

Gene: NRXN1 (neurexin 1; minus strand). Cytogenetic location: 2p16.3.
Variant type: single nucleotide variant.
Coding change: c.1135-2A>G on transcript NM_001330078.2 (MANE Select); the canonical splice acceptor site of the intron before coding-DNA position 1135, A replaced by G.
Molecular consequence: splice acceptor variant. On other transcripts: intron variant (6).
Genome position (GRCh38, 1-based): chr2:50,621,251, T>C on the plus strand (A>G on the coding strand, the complement: NRXN1 is on the minus strand). VCF-style: chr2-50621251-T-C. GRCh37 (hg19) VCF-style: chr2-50848389-T-C.
Other names: c.1075-1068A>G (NM_001330096.2, NM_001330087.2); c.1075-2A>G (NM_001330083.2, NM_001330084.2); c.1105-1068A>G (NM_001330088.2); c.1132-2A>G (NM_001330093.2); c.1123-2A>G (NM_001330094.2); c.1135-1068A>G (NM_001330095.2, NM_001330082.2, NM_001330077.2); c.1135-2A>G (NM_001330085.2, NM_004801.6, NM_001330086.2); c.1234-2A>G (NM_001135659.3).
Identifiers: ClinVar variation 862655 (VCV000862655.8), dbSNP rs1679958581, ClinGen allele CA346822045.

ClinVar aggregate classification (germline): Likely pathogenic (1 of 4 stars; one submission).

Conditions:
Pitt-Hopkins-like syndrome 2 (PTHSL2). Identifiers: Orphanet 221150, Orphanet 600663, MedGen C3280479, MONDO:0013690, OMIM 614325.

Submission:

Labcorp Genetics (formerly Invitae), Labcorp
Classification: Likely pathogenic for Pitt-Hopkins-like syndrome 2. Last evaluated: 2022-06-14. Review status: criteria provided, single submitter. Criteria: Invitae Variant Classification Sherloc (09022015). Collection method: clinical testing. Allele origin: germline.
Comment: This sequence change affects an acceptor splice site in intron 7 of the NRXN1 gene. It is expected to disrupt RNA splicing. Variants that disrupt the donor or acceptor splice site typically lead to a loss of protein function (PMID: 16199547), and loss-of-function variants in NRXN1 are known to be pathogenic (PMID: 19896112, 21964664, 23495017, 23533028, 25149956, 30031152). This variant is not present in population databases (gnomAD no frequency). In summary, the currently available evidence indicates that the variant is pathogenic, but additional data are needed to prove that conclusively. Therefore, this variant has been classified as Likely Pathogenic. Algorithms developed to predict the effect of sequence changes on RNA splicing suggest that this variant may create or strengthen a splice site. ClinVar contains an entry for this variant (Variation ID: 862655). This variant has not been reported in the literature in individuals affected with NRXN1-related conditions.

Literature cited by the submitters: PubMed 16199547; PubMed 19896112; PubMed 21964664; PubMed 23495017; PubMed 23533028; PubMed 25149956; PubMed 30031152.